The following is an entry in ClinVar:

ClinVar aggregate classification (germline): Uncertain significance. Review status: criteria provided, multiple submitters, no conflicts (2 of 4 stars). 5 submissions from 5 submitters: Uncertain significance (5). Last evaluated 2024-11-19.

Conditions:
Intellectual developmental disorder, autosomal recessive 46. Also called: Intellectual disability, autosomal recessive 46. Identifiers: Orphanet 88616, MedGen C4015283, MONDO:0014499, OMIM 616116.
Inborn genetic diseases. Identifiers: MedGen C0950123, MeSH D030342.

Allele frequency attached by ClinVar (database versions not stated): ESP Exome Variant Server 0.00038; ExAC 0.00029; TOPMed 0.00031; gnomAD 0.00036; gnomAD exomes 0.00036.
gnomAD v4.1: 1,184 of 1,613,916 alleles (0.073%); highest among the groups gnomAD compares: Non-Finnish European, 0.098%; 1 homozygote.

Submissions (5):

Blueprint Genetics
Classification: Uncertain significance. Last evaluated: 2024-11-19. Review status: criteria provided, single submitter. Criteria: ACMG Guidelines, 2015. Collection method: clinical testing. Allele origin: germline.

Revvity Omics, Revvity
Classification: Uncertain significance for Intellectual developmental disorder, autosomal recessive 46. Last evaluated: 2023-11-08. Review status: criteria provided, single submitter. Criteria: ACMG Guidelines, 2015. Collection method: clinical testing. Allele origin: germline.

Department of Pathology and Laboratory Medicine, Sinai Health System
Classification: Uncertain significance for Intellectual developmental disorder, autosomal recessive 46. Last evaluated: 2022-11-19. Review status: criteria provided, single submitter. Criteria: ACMG Guidelines, 2015. Collection method: research. Allele origin: germline.

Labcorp Genetics (formerly Invitae), Labcorp
Classification: Uncertain significance. Last evaluated: 2022-02-09. Review status: criteria provided, single submitter. Criteria: Invitae Variant Classification Sherloc (09022015). Collection method: clinical testing. Allele origin: germline.
Comment: This sequence change replaces arginine, which is basic and polar, with cysteine, which is neutral and slightly polar, at codon 112 of the NDST1 protein (p.Arg112Cys). This variant is present in population databases (rs138962514, gnomAD 0.06%). This variant has not been reported in the literature in individuals affected with NDST1-related conditions. ClinVar contains an entry for this variant (Variation ID: 520649). Algorithms developed to predict the effect of missense changes on protein structure and function (SIFT, PolyPhen-2, Align-GVGD) all suggest that this variant is likely to be disruptive. In summary, the available evidence is currently insufficient to determine the role of this variant in disease. Therefore, it has been classified as a Variant of Uncertain Significance.

Ambry Genetics
Classification: Uncertain significance for Inborn genetic diseases. Last evaluated: 2015-05-06. Review status: criteria provided, single submitter. Criteria: Ambry exome assertion method (8-5-2015). Collection method: clinical testing. Allele origin: germline. Affected: yes. Observed: 1 variant allele.

NM_001543.5(NDST1):c.334C>T (p.Arg112Cys)

Gene: NDST1 (N-deacetylase and N-sulfotransferase 1; plus strand). Cytogenetic location: 5q33.1.
Variant type: single nucleotide variant.
Coding change: c.334C>T on transcript NM_001543.5 (MANE Select); coding-DNA position 334, C replaced by T.
Protein change: p.Arg112Cys; replaces arginine 112 with cysteine.
Molecular consequence: missense variant.
Genome position (GRCh38, 1-based): chr5:150,521,588, C>T. VCF-style: chr5-150521588-C-T. GRCh37 (hg19) VCF-style: chr5-149901150-C-T.
Other names: c.334C>T, p.Arg112Cys (NM_001301063.2); short protein forms R112C.
Identifiers: ClinVar variation 520649 (VCV000520649.10), dbSNP rs138962514, ClinGen allele CA3512382.